The following is an entry in ClinVar:

NM_002432.3(MNDA):c.960G>A (p.Met320Ile)

Gene: MNDA (myeloid cell nuclear differentiation antigen; plus strand). Cytogenetic location: 1q23.1.
Variant type: single nucleotide variant.
Coding change: c.960G>A on transcript NM_002432.3 (MANE Select); coding-DNA position 960, G replaced by A.
Protein change: p.Met320Ile; replaces methionine 320 with isoleucine.
Molecular consequence: missense variant.
Genome position (GRCh38, 1-based): chr1:158,845,976, G>A. VCF-style: chr1-158845976-G-A. GRCh37 (hg19) VCF-style: chr1-158815766-G-A.
Other names: short protein forms M320I.
Identifiers: ClinVar variation 1767563 (VCV001767563.2), dbSNP rs2526088369, ClinGen allele CA343042508.

ClinVar aggregate classification (germline): Uncertain significance (1 of 4 stars; one submission).

Submission:

Ambry Genetics
Classification: Uncertain significance. Last evaluated: 2022-10-15. Review status: criteria provided, single submitter. Criteria: Ambry Variant Classification Scheme 2023. Collection method: clinical testing. Allele origin: germline.
Comment: The p.M320I variant (also known as c.960G>A), located in coding exon 4 of the MNDA gene, results from a G to A substitution at nucleotide position 960. The methionine at codon 320 is replaced by isoleucine, an amino acid with highly similar properties. This amino acid position is conserved. In addition, this alteration is predicted to be tolerated by in silico analysis. Since supporting evidence is limited at this time, the clinical significance of this alteration remains unclear.